The following is an entry in ClinVar:

NM_000455.5(STK11):c.207G>A (p.Ser69=)

Gene: STK11 (serine/threonine kinase 11; plus strand). Cytogenetic location: 19p13.3.
Variant type: single nucleotide variant.
Coding change: c.207G>A on transcript NM_000455.5 (MANE Select); coding-DNA position 207, G replaced by A.
Protein change: p.Ser69=; no amino-acid change (serine 69 retained).
Molecular consequence: synonymous variant.
Genome position (GRCh38, 1-based): chr19:1,207,120, G>A. VCF-style: chr19-1207120-G-A. GRCh37 (hg19) VCF-style: chr19-1207119-G-A.
Identifiers: ClinVar variation 527853 (VCV000527853.11), dbSNP rs746735912, ClinGen allele CA504706302.

ClinVar aggregate classification (germline): Benign/Likely benign. Review status: criteria provided, multiple submitters, no conflicts (2 of 4 stars). 3 submissions from 3 submitters: Benign (1); Likely benign (2). Last evaluated 2025-03-25.

Conditions:
Peutz-Jeghers syndrome (PJS). Also called: POLYPOSIS, HAMARTOMATOUS INTESTINAL; POLYPS-AND-SPOTS SYNDROME; Peutz-Jeghers polyposis; Periorificial lentiginosis syndrome. Identifiers: Orphanet 2869, MedGen C0031269, MeSH D010580, MONDO:0008280, OMIM 175200.
Hereditary cancer-predisposing syndrome. Also called: Neoplastic Syndromes, Hereditary; Tumor predisposition; Hereditary neoplastic syndrome; Hereditary Cancer Syndrome. Identifiers: Orphanet 140162, MedGen C0027672, MeSH D009386, MONDO:0015356.

gnomAD v4.1: 1 of 1,613,862 alleles (0.000062%); highest among the groups gnomAD compares: Non-Finnish European, 0.000085%; no homozygotes.

Submissions (3):

Myriad Genetics, Inc.
Classification: Benign for Peutz-Jeghers syndrome. Last evaluated: 2025-03-25. Review status: criteria provided, single submitter. Criteria: Myriad Autosomal Dominant, Autosomal Recessive and X-Linked Classification Criteria (2023). Collection method: clinical testing. Allele origin: unknown.
Comment: This variant is considered benign. This variant is a silent/synonymous amino acid change and it is not expected to impact splicing.

Labcorp Genetics (formerly Invitae), Labcorp
Classification: Likely benign for Peutz-Jeghers syndrome. Last evaluated: 2023-04-20. Review status: criteria provided, single submitter. Criteria: Invitae Variant Classification Sherloc (09022015). Collection method: clinical testing. Allele origin: germline.

Ambry Genetics
Classification: Likely benign for Hereditary cancer-predisposing syndrome. Last evaluated: 2022-12-14. Review status: criteria provided, single submitter. Criteria: Ambry Variant Classification Scheme 2023. Collection method: clinical testing. Allele origin: germline.